The following is an entry in ClinVar:

NM_001365951.3(KIF1B):c.4772A>T (p.His1591Leu)

Gene: KIF1B (kinesin family member 1B; plus strand). Cytogenetic location: 1p36.22.
Variant type: single nucleotide variant.
Coding change: c.4772A>T on transcript NM_001365951.3 (MANE Select); coding-DNA position 4772, A replaced by T.
Protein change: p.His1591Leu; replaces histidine 1591 with leucine.
Molecular consequence: missense variant.
Genome position (GRCh38, 1-based): chr1:10,368,486, A>T. VCF-style: chr1-10368486-A-T. GRCh37 (hg19) VCF-style: chr1-10428544-A-T.
Other names: c.4772A>T, p.His1591Leu (NM_001365952.1); c.4634A>T, p.His1545Leu (NM_015074.3); short protein forms H1545L, H1591L.
Identifiers: ClinVar variation 2561716 (VCV002561716.2), dbSNP rs1345159650, ClinGen allele CA338324101.
Genomic context (GRCh38, chr1:10,368,486, plus strand): 5'-ACATTTTATGTTCAGCTTGCACTTCTCTTTCTCTTCTTTAGTGCCTGCAACTTCTCACCC[A>T]CACTTTCAACAGAGAATTCAGCCAGGTGCACGGCAGCGTCAGTGACTGTAAGGTGAGCAC-3'
Protein context (NP_001352880.1, residues 1581-1601): LATKCLQLLT[His1591Leu]TFNREFSQVH

ClinVar aggregate classification (germline): Uncertain significance (1 of 4 stars; one submission).

Submission:

Ambry Genetics
Classification: Uncertain significance. Last evaluated: 2023-06-09. Review status: criteria provided, single submitter. Criteria: Ambry Variant Classification Scheme 2023. Collection method: clinical testing. Allele origin: germline.
Comment: The p.H1545L variant (also known as c.4634A>T), located in coding exon 41 of the KIF1B gene, results from an A to T substitution at nucleotide position 4634. The histidine at codon 1545 is replaced by leucine, an amino acid with similar properties. This amino acid position is highly conserved in available vertebrate species. In addition, this alteration is predicted to be deleterious by in silico analysis. The evidence for this gene-disease relationship is limited; therefore, the clinical significance of this alteration is unclear.